The following is an entry in ClinVar:

ClinVar aggregate classification (germline): Uncertain significance. Review status: criteria provided, multiple submitters, no conflicts (2 of 4 stars). 2 submissions from 2 submitters: Uncertain significance (2). Last evaluated 2023-08-22.

Conditions:
Dextro-looped transposition of the great arteries. Also called: Dextrotransposition of the great arteries. Identifiers: Orphanet 860, MedGen C3531771, MONDO:0019443, OMIM 608808, HP:0031348.
Inborn genetic diseases. Identifiers: MedGen C0950123, MeSH D030342.

Allele frequency attached by ClinVar (database versions not stated): gnomAD 0.00001; TOPMed 0.00001; ESP Exome Variant Server 0.00008.
gnomAD v4.1: 26 of 1,614,032 alleles (0.0016%); highest among the groups gnomAD compares: Non-Finnish European, 0.002%; no homozygotes.

Submissions (2):

Ambry Genetics
Classification: Uncertain significance for Inborn genetic diseases. Last evaluated: 2023-08-22. Review status: criteria provided, single submitter. Criteria: Ambry Variant Classification Scheme 2023. Collection method: clinical testing. Allele origin: germline.

Labcorp Genetics (formerly Invitae), Labcorp
Classification: Uncertain significance for Dextro-looped transposition of the great arteries. Last evaluated: 2022-11-08. Review status: criteria provided, single submitter. Criteria: Invitae Variant Classification Sherloc (09022015). Collection method: clinical testing. Allele origin: germline.
Comment: In summary, the available evidence is currently insufficient to determine the role of this variant in disease. Therefore, it has been classified as a Variant of Uncertain Significance. Advanced modeling of protein sequence and biophysical properties (such as structural, functional, and spatial information, amino acid conservation, physicochemical variation, residue mobility, and thermodynamic stability) performed at Invitae indicates that this missense variant is not expected to disrupt MED13L protein function. ClinVar contains an entry for this variant (Variation ID: 857663). This variant has not been reported in the literature in individuals affected with MED13L-related conditions. This variant is present in population databases (rs140287114, gnomAD 0.0009%). This sequence change replaces threonine, which is neutral and polar, with isoleucine, which is neutral and non-polar, at codon 1636 of the MED13L protein (p.Thr1636Ile).

NM_015335.5(MED13L):c.4907C>T (p.Thr1636Ile)

Gene: MED13L (mediator complex subunit 13L; minus strand). Cytogenetic location: 12q24.21.
Variant type: single nucleotide variant.
Coding change: c.4907C>T on transcript NM_015335.5 (MANE Select); coding-DNA position 4907, C replaced by T.
Protein change: p.Thr1636Ile; replaces threonine 1636 with isoleucine.
Molecular consequence: missense variant.
Genome position (GRCh38, 1-based): chr12:115,983,165, G>A on the plus strand (C>T on the coding strand, the complement: MED13L is on the minus strand). VCF-style: chr12-115983165-G-A. GRCh37 (hg19) VCF-style: chr12-116420970-G-A.
Other names: short protein forms T1636I.
Identifiers: ClinVar variation 857663 (VCV000857663.12), dbSNP rs140287114, ClinGen allele CA244141800.
Genomic context (GRCh38, chr12:115,983,165, plus strand): 5'-TGAATAACATACCTCTCTTGTCCATCCTGTGAGGGCTGAGAAGAGCTCTGCCCAGGGTCA[G>A]TGTCTCCACCACAGCCTATGTTCCCTTGCGTTCTATCCGCAGAAATGCCCCCAGTGCTGG-3'
Protein context (NP_056150.1, residues 1626-1646): TQGNIGCGGD[Thr1636Ile]DPGQSSSQPS